The following is an entry in ClinVar:

ClinVar aggregate classification (germline): Likely benign. Review status: criteria provided, multiple submitters, no conflicts (2 of 4 stars). 3 submissions from 3 submitters: Likely benign (3). Last evaluated 2026-06-19.

Conditions:
DVL1-related disorder. Also called: DVL1-related condition.
Autosomal dominant Robinow syndrome 2. Identifiers: Orphanet 3107, Orphanet 97360, MedGen C4225363, MONDO:0014591, OMIM 616331.

Allele frequency attached by ClinVar (database versions not stated): gnomAD exomes 0.00007 and 0.00014; ExAC 0.00018; gnomAD 0.00050 and 0.00055; TOPMed 0.00053; ESP Exome Variant Server 0.00062.

Submissions (3):

PreventionGenetics, part of Exact Sciences
Classification: Likely benign for DVL1-related condition. Last evaluated: 2026-06-19. Review status: criteria provided, single submitter. Criteria: ACMG Guidelines, 2015. Collection method: clinical testing. Allele origin: germline.
Comment: This variant is classified as likely benign based on ACMG/AMP sequence variant interpretation guidelines (Richards et al. 2015 PMID: 25741868, with internal and published modifications).

Labcorp Genetics (formerly Invitae), Labcorp
Classification: Likely benign. Last evaluated: 2025-05-11. Review status: criteria provided, single submitter. Criteria: Invitae Variant Classification Sherloc (09022015). Collection method: clinical testing. Allele origin: germline.

Mendelics
Classification: Likely benign for Autosomal dominant Robinow syndrome 2. Last evaluated: 2019-05-28. Review status: criteria provided, single submitter. Criteria: Mendelics Assertion Criteria 2017. Collection method: clinical testing. Allele origin: unknown.

NM_001330311.2(DVL1):c.1502G>C (p.Cys501Ser)

Gene: DVL1 (dishevelled segment polarity protein 1; minus strand). Cytogenetic location: 1p36.33.
Variant type: single nucleotide variant.
Coding change: c.1502G>C on transcript NM_001330311.2 (MANE Select); coding-DNA position 1502, G replaced by C.
Protein change: p.Cys501Ser; replaces cysteine 501 with serine.
Molecular consequence: missense variant.
Genome position (GRCh38, 1-based): chr1:1,338,274, C>G on the plus strand (G>C on the coding strand, the complement: DVL1 is on the minus strand). VCF-style: chr1-1338274-C-G. GRCh37 (hg19) VCF-style: chr1-1273654-C-G.
Other names: c.1427G>C, p.Cys476Ser (NM_004421.3); short protein forms C501S, C476S.
Identifiers: ClinVar variation 749017 (VCV000749017.10), dbSNP rs139708222, ClinGen allele CA520070.